The following is an entry in ClinVar:

ClinVar aggregate classification (germline): Likely benign (1 of 4 stars; one submission).

gnomAD v4.1: 9 of 1,568,836 alleles (0.00057%); highest among the groups gnomAD compares: South Asian, 0.0094%; no homozygotes.

Submission:

CeGaT Center for Human Genetics Tuebingen
Classification: Likely benign. Last evaluated: 2025-12-01. Review status: criteria provided, single submitter. Criteria: CeGaT Center For Human Genetics Tuebingen Variant Classification Criteria Version 2. Collection method: clinical testing. Allele origin: germline. Affected: yes. Observed: 1 variant allele.
Comment: SETD1A: BP4, BP7

NM_014712.3(SETD1A):c.3348A>G (p.Ala1116=)

Gene: SETD1A (SET domain containing 1A, histone lysine methyltransferase; plus strand). Cytogenetic location: 16p11.2.
Variant type: single nucleotide variant.
Coding change: c.3348A>G on transcript NM_014712.3 (MANE Select); coding-DNA position 3348, A replaced by G.
Protein change: p.Ala1116=; no amino-acid change (alanine 1116 retained).
Molecular consequence: synonymous variant.
Genome position (GRCh38, 1-based): chr16:30,971,709, A>G. VCF-style: chr16-30971709-A-G. GRCh37 (hg19) VCF-style: chr16-30983030-A-G.
Identifiers: ClinVar variation 4681952 (VCV004681952.5).